The following is an entry in ClinVar:

ClinVar aggregate classification (germline): Uncertain significance (1 of 4 stars; one submission).

Submission:

Labcorp Genetics (formerly Invitae), Labcorp
Classification: Uncertain significance. Last evaluated: 2022-06-03. Review status: criteria provided, single submitter. Criteria: Invitae Variant Classification Sherloc (09022015). Collection method: clinical testing. Allele origin: germline.
Comment: This variant has not been reported in the literature in individuals affected with RGR-related conditions. In summary, the available evidence is currently insufficient to determine the role of this variant in disease. Therefore, it has been classified as a Variant of Uncertain Significance. Algorithms developed to predict the effect of missense changes on protein structure and function are either unavailable or do not agree on the potential impact of this missense change (SIFT: "Deleterious"; PolyPhen-2: "Not Available"; Align-GVGD: "Class C35"). ClinVar contains an entry for this variant (Variation ID: 938520). This variant is not present in population databases (gnomAD no frequency). This sequence change replaces glycine, which is neutral and non-polar, with cysteine, which is neutral and slightly polar, at codon 92 of the RGR protein (p.Gly92Cys).

NM_001012720.2(RGR):c.274G>T (p.Gly92Cys)

Gene: RGR (retinal G protein coupled receptor; plus strand). Cytogenetic location: 10q23.1.
Variant type: single nucleotide variant.
Coding change: c.274G>T on transcript NM_001012720.2 (MANE Select); coding-DNA position 274, G replaced by T.
Protein change: p.Gly92Cys; replaces glycine 92 with cysteine.
Molecular consequence: missense variant.
Genome position (GRCh38, 1-based): chr10:84,248,959, G>T. VCF-style: chr10-84248959-G-T. GRCh37 (hg19) VCF-style: chr10-86008715-G-T.
Other names: c.274G>T, p.Gly92Cys (NM_001012722.2); c.286G>T, p.Gly96Cys (NM_002921.4); short protein forms G92C, G96C.
Identifiers: ClinVar variation 938520 (VCV000938520.9), dbSNP rs550204029, ClinGen allele CA377391106.